The following is an entry in ClinVar:

NM_003482.4(KMT2D):c.7490C>T (p.Ala2497Val)

Gene: KMT2D (lysine methyltransferase 2D; minus strand). Cytogenetic location: 12q13.12.
Variant type: single nucleotide variant.
Coding change: c.7490C>T on transcript NM_003482.4 (MANE Select); coding-DNA position 7490, C replaced by T.
Protein change: p.Ala2497Val; replaces alanine 2497 with valine.
Molecular consequence: missense variant.
Genome position (GRCh38, 1-based): chr12:49,040,280, G>A on the plus strand (C>T on the coding strand, the complement: KMT2D is on the minus strand). VCF-style: chr12-49040280-G-A. GRCh37 (hg19) VCF-style: chr12-49434063-G-A.
Other names: short protein forms A2497V.
Identifiers: ClinVar variation 134692 (VCV000134692.8), dbSNP rs376603595, ClinGen allele CA160551.

ClinVar aggregate classification (germline): Benign. Review status: criteria provided, single submitter (1 of 4 stars). 2 submissions from 2 submitters: Benign (1). 1 of the submissions does not count toward it. Last evaluated 2025-11-02.

Conditions:
Kabuki syndrome. Also called: NIIKAWA-KUROKI SYNDROME; Kabuki make-up syndrome. Identifiers: Orphanet 2322, MedGen C0796004, MONDO:0016512.

Allele frequency attached by ClinVar (database versions not stated): gnomAD exomes 0.00002 and 0.00004; ESP Exome Variant Server 0.00008; ExAC 0.00003; TOPMed below 0.00001.

Submissions (2):

Labcorp Genetics (formerly Invitae), Labcorp
Classification: Benign for Kabuki syndrome. Last evaluated: 2025-11-02. Review status: criteria provided, single submitter. Criteria: Invitae Variant Classification Sherloc (09022015). Collection method: clinical testing. Allele origin: germline.

ITMI
No classification provided. Condition: AllHighlyPenetrant. Last evaluated: 2013-09-19. Review status: no classification provided. Collection method: reference population. Allele origin: germline. Not counted in ClinVar's aggregate classification.
Comment: Please see associated publication for description of ethnicities

Literature cited by the submitters: PubMed 24728327 (cited by ITMI).